The following is an entry in ClinVar:

ClinVar aggregate classification (germline): Conflicting classifications of pathogenicity. Review status: criteria provided, conflicting classifications (1 of 4 stars). 2 submissions from 2 submitters: Pathogenic (1); Uncertain significance (1). Last evaluated 2022-05-05.

Conditions:
Aortic aneurysm, familial thoracic 4 (AAT4). Also called: AORTIC ANEURYSM/AORTIC DISSECTION AND PATENT DUCTUS ARTERIOSUS. Identifiers: MedGen C1851504, MONDO:0007568, OMIM 132900.
Familial thoracic aortic aneurysm and aortic dissection (TAAD). Also called: Thoracic aortic aneurysms and dissections. Identifiers: Orphanet 91387, MedGen C4707243, MONDO:0019625.

gnomAD v4.1: 2 of 1,614,062 alleles (0.00012%); highest among the groups gnomAD compares: Non-Finnish European, 0.00017%; no homozygotes.

Submissions (2):

Labcorp Genetics (formerly Invitae), Labcorp
Classification: Pathogenic for Aortic aneurysm, familial thoracic 4. Last evaluated: 2022-05-05. Review status: criteria provided, single submitter. Criteria: Invitae Variant Classification Sherloc (09022015). Collection method: clinical testing. Allele origin: germline.
Comment: For these reasons, this variant has been classified as Pathogenic. ClinVar contains an entry for this variant (Variation ID: 1172097). This variant has not been reported in the literature in individuals affected with MYH11-related conditions. This variant is not present in population databases (gnomAD no frequency). This sequence change creates a premature translational stop signal (p.Arg789*) in the MYH11 gene. It is expected to result in an absent or disrupted protein product. Loss-of-function variants in MYH11 are known to be pathogenic (PMID: 25407000, 29575632).

Color Diagnostics, LLC DBA Color Health
Classification: Uncertain significance for Familial thoracic aortic aneurysm and aortic dissection. Last evaluated: 2021-08-31. Review status: criteria provided, single submitter. Criteria: ACMG Guidelines, 2015. Collection method: clinical testing. Allele origin: germline.
Comment: This variant changes 1 nucleotide in exon 20 of the MYH11 gene, creating a premature translation stop signal. This variant is expected to result in an absent or non-functional protein product. To our knowledge, this variant has not been reported in individuals affected with cardiovascular disorders in the literature. This variant has not been identified in the general population by the Genome Aggregation Database (gnomAD). The role of loss-of-function MYH11 truncation and splice variants in autosomal dominant cardiovascular disorders is not clearly established. The available evidence is insufficient to determine the role of this variant in disease conclusively. Therefore, this variant is classified as a Variant of Uncertain Significance.

Literature cited by the submitters: PubMed 25407000 (cited by Labcorp Genetics (formerly Invitae), Labcorp); PubMed 29575632 (cited by Labcorp Genetics (formerly Invitae), Labcorp).

NM_002474.3(MYH11):c.2344C>T (p.Arg782Ter)

Gene: MYH11 (myosin heavy chain 11; minus strand). Cytogenetic location: 16p13.11.
Variant type: single nucleotide variant.
Coding change: c.2344C>T on transcript NM_002474.3 (MANE Select); coding-DNA position 2344, C replaced by T.
Protein change: p.Arg782Ter; replaces arginine 782 with a stop codon.
Molecular consequence: nonsense.
Genome position (GRCh38, 1-based): chr16:15,747,637, G>A on the plus strand (C>T on the coding strand, the complement: MYH11 is on the minus strand). VCF-style: chr16-15747637-G-A. GRCh37 (hg19) VCF-style: chr16-15841494-G-A.
Other names: c.2365C>T, p.Arg789Ter (NM_001040113.2, NM_001040114.2); c.2344C>T, p.Arg782Ter (NM_022844.3); short protein forms R782*, R789*.
Identifiers: ClinVar variation 1172097 (VCV001172097.9), dbSNP rs777173010, ClinGen allele CA394867306.